The following is an entry in ClinVar:

ClinVar aggregate classification (germline): Uncertain significance (1 of 4 stars; one submission).

Conditions:
Cardiovascular phenotype. Identifiers: MedGen CN230736.

gnomAD v4.1: 1 of 1,614,124 alleles (0.000062%); highest among the groups gnomAD compares: Non-Finnish European, 0.000085%; no homozygotes.

Submission:

Ambry Genetics
Classification: Uncertain significance for Cardiovascular phenotype. Last evaluated: 2025-05-03. Review status: criteria provided, single submitter. Criteria: Ambry Variant Classification Scheme 2023. Collection method: clinical testing. Allele origin: germline.
Comment: The p.S373N variant (also known as c.1118G>A), located in coding exon 7 of the LPL gene, results from a G to A substitution at nucleotide position 1118. The serine at codon 373 is replaced by asparagine, an amino acid with highly similar properties. This amino acid position is conserved. In addition, this alteration is predicted to be tolerated by in silico analysis. Based on the available evidence, the clinical significance of this variant remains unclear.

NM_000237.3(LPL):c.1118G>A (p.Ser373Asn)

Gene: LPL (lipoprotein lipase; plus strand). Cytogenetic location: 8p21.3.
Variant type: single nucleotide variant.
Coding change: c.1118G>A on transcript NM_000237.3 (MANE Select); coding-DNA position 1118, G replaced by A.
Protein change: p.Ser373Asn; replaces serine 373 with asparagine.
Molecular consequence: missense variant.
Genome position (GRCh38, 1-based): chr8:19,959,359, G>A. VCF-style: chr8-19959359-G-A. GRCh37 (hg19) VCF-style: chr8-19816870-G-A.
Other names: short protein forms S373N.
Identifiers: ClinVar variation 4048224 (VCV004048224.1).